The following is an entry in ClinVar:

NC_000023.10:g.(?_77284727)_(77302087_?)dup

Gene: ATP7A (ATPase copper transporting alpha; plus strand). Cytogenetic location: Xq21.1.
Variant type: Duplication.
Identifiers: ClinVar variation 833468 (VCV000833468.2).

ClinVar aggregate classification (germline): Uncertain significance (1 of 4 stars; one submission).

Conditions:
Menkes kinky-hair syndrome (MNK). Also called: Copper transport disease; Classic Menkes Disease; Menkes Disease. Identifiers: Orphanet 565, MedGen C0022716, MONDO:0010651, OMIM 309400.
Cutis laxa, X-linked (OHS). Also called: EDS IX; Occipital horn syndrome. Identifiers: Orphanet 198, MedGen C0268353, MONDO:0010572, OMIM 304150.
X-linked distal spinal muscular atrophy type 3. Also called: SPINAL MUSCULAR ATROPHY, DISTAL, X-LINKED RECESSIVE; ATP7A-Related Distal Motor Neuropathy; NEURONOPATHY, DISTAL HEREDITARY MOTOR, X-LINKED; NEUROPATHY, DISTAL HEREDITARY MOTOR, X-LINKED. Identifiers: Orphanet 139557, MedGen C1845359, MONDO:0010338, OMIM 300489.

Submission:

Labcorp Genetics (formerly Invitae), Labcorp
Classification: Uncertain significance for X-linked distal spinal muscular atrophy type 3; Cutis laxa, X-linked; Menkes kinky-hair syndrome. Last evaluated: 2020-12-16. Review status: criteria provided, single submitter. Criteria: Invitae Variant Classification Sherloc (09022015). Collection method: clinical testing. Allele origin: germline.
Comment: This variant results in a copy number gain of the genomic region encompassing exons 15-23 of the ATP7A gene. The 5' boundary is likely confined to intron 14. The 3' end of this event is unknown as it extends beyond the assayed region for this gene and therefore may encompass additional genes. As the precise location of this event is unknown, it may be in tandem or it may be located elsewhere in the genome. This variant has not been reported in the literature in individuals with ATP7A-related conditions. In summary, the available evidence is currently insufficient to determine the role of this variant in disease. Therefore, it has been classified as a Variant of Uncertain Significance.